The following is an entry in ClinVar:

ClinVar aggregate classification (germline): Uncertain significance (1 of 4 stars; one submission).

Submission:

Women's Health and Genetics/Laboratory Corporation of America, LabCorp
Classification: Uncertain significance. Last evaluated: 2026-02-10. Review status: criteria provided, single submitter. Criteria: LabCorp Variant Classification Summary - May 2015. Collection method: clinical testing. Allele origin: germline.
Comment: Variant summary: ZNF469 c.7453C>A (p.Pro2485Thr) results in a non-conservative amino acid change in the encoded protein sequence. Algorithms developed to predict the effect of missense changes on protein structure and function are either unavailable or do not agree on the potential impact of this missense change. The variant was absent in 147920 control chromosomes. The available data on variant occurrences in the general population are insufficient to allow any conclusion about variant significance. To our knowledge, no occurrence of c.7453C>A in individuals affected with ZNF469-related conditions and no experimental evidence demonstrating its impact on protein function have been reported. No submitters have cited clinical-significance assessments for this variant to ClinVar. Based on the evidence outlined above, the variant was classified as uncertain significance.

NM_001367624.2(ZNF469):c.7453C>A (p.Pro2485Thr)

Gene: ZNF469 (zinc finger protein 469; plus strand). Cytogenetic location: 16q24.2.
Variant type: single nucleotide variant.
Coding change: c.7453C>A on transcript NM_001367624.2 (MANE Select); coding-DNA position 7453, C replaced by A.
Protein change: p.Pro2485Thr; replaces proline 2485 with threonine.
Molecular consequence: missense variant.
Genome position (GRCh38, 1-based): chr16:88,434,923, C>A. VCF-style: chr16-88434923-C-A. GRCh37 (hg19) VCF-style: chr16-88501331-C-A.
Other names: short protein forms P2485T.
Identifiers: ClinVar variation 4847926 (VCV004847926.1).